The following is an entry in ClinVar:

ClinVar aggregate classification (germline): Pathogenic (1 of 4 stars; one submission).

Conditions:
Familial thoracic aortic aneurysm and aortic dissection (TAAD). Also called: Thoracic aortic aneurysms and dissections. Identifiers: Orphanet 91387, MedGen C4707243, MONDO:0019625.
Marfan syndrome (MFS). Also called: FBN1-Related Marfan Syndrome; Marfan's syndrome; MARFAN SYNDROME, TYPE I; Marfan syndrome type 1; Marfan syndrome, classic. Identifiers: Orphanet 284963, Orphanet 558, MedGen C0024796, MONDO:0007947, OMIM 154700.

Submission:

Labcorp Genetics (formerly Invitae), Labcorp
Classification: Pathogenic for Marfan syndrome; Familial thoracic aortic aneurysm and aortic dissection. Last evaluated: 2019-04-09. Review status: criteria provided, single submitter. Criteria: Invitae Variant Classification Sherloc (09022015). Collection method: clinical testing. Allele origin: germline.
Comment: For these reasons, this variant has been classified as Pathogenic. Loss-of-function variants in FBN1 are known to be pathogenic (PMID: 17657824, 19293843). This variant has been observed in an individual with clinical features of Marfan syndrome (PMID: 19618372). This variant is not present in population databases (ExAC no frequency). This sequence change creates a premature translational stop signal (p.Cys661Leufs*20) in the FBN1 gene. It is expected to result in an absent or disrupted protein product.

Literature cited by the submitters: PubMed 17657824; PubMed 19293843; PubMed 19618372.

NM_000138.5(FBN1):c.1981dup (p.Cys661fs)

Gene: FBN1 (fibrillin 1; minus strand). Cytogenetic location: 15q21.1.
Variant type: Duplication.
Coding change: c.1981dup on transcript NM_000138.5 (MANE Select); coding-DNA position 1981, one base duplicated (T; older notation c.1981dupT).
Protein change: p.Cys661fs; shifts the reading frame from cysteine 661.
Molecular consequence: frameshift variant.
Genome position (GRCh38, 1-based): chr15:48,503,919, A duplicated on the plus strand (T on the coding strand, the reverse complement: FBN1 is on the minus strand). VCF-style (leftmost placement, unchanged base first): chr15-48503918-C-CA. GRCh37 (hg19) VCF-style: chr15-48796115-C-CA.
Other names: short protein forms C661fs.
Identifiers: ClinVar variation 847743 (VCV000847743.9), dbSNP rs2043686222, ClinGen allele CA916082405.